The following is an entry in ClinVar:

ClinVar aggregate classification (germline): Uncertain significance (1 of 4 stars; one submission).

gnomAD v4.1: 5 of 1,611,432 alleles (0.00031%); highest among the groups gnomAD compares: Non-Finnish European, 0.00042%; no homozygotes.

Submission:

Dasa
Classification: Uncertain significance. Last evaluated: 2025-09-03. Review status: criteria provided, single submitter. Criteria: DASA Assertion Criteria. Collection method: clinical testing. Allele origin: germline.
Comment: NM_014712.3(SETD1A):c.3286G>A (p.Val1096Met) is a missense variant that results in the substitution of valine with methionine. This variant is rare in population databases. Computational prediction algorithms are consistent with a benign effect. The currently available literature and clinical evidence are not sufficient to establish a definitive association between this variant and the reported condition. Therefore, this variant is classified as a variant of uncertain significance.

NM_014712.3(SETD1A):c.3286G>A (p.Val1096Met)

Gene: SETD1A (SET domain containing 1A, histone lysine methyltransferase; plus strand). Cytogenetic location: 16p11.2.
Variant type: single nucleotide variant.
Coding change: c.3286G>A on transcript NM_014712.3 (MANE Select); coding-DNA position 3286, G replaced by A.
Protein change: p.Val1096Met; replaces valine 1096 with methionine.
Molecular consequence: missense variant.
Genome position (GRCh38, 1-based): chr16:30,971,647, G>A. VCF-style: chr16-30971647-G-A. GRCh37 (hg19) VCF-style: chr16-30982968-G-A.
Other names: short protein forms V1096M.
Identifiers: ClinVar variation 4883232 (VCV004883232.2).